The following is an entry in ClinVar:

ClinVar aggregate classification (germline): Uncertain significance (1 of 4 stars; one submission).

Submission:

Women's Health and Genetics/Laboratory Corporation of America, LabCorp
Classification: Uncertain significance. Last evaluated: 2024-01-10. Review status: criteria provided, single submitter. Criteria: LabCorp Variant Classification Summary - May 2015. Collection method: clinical testing. Allele origin: germline.
Comment: Variant summary: F8 c.839G>A (p.Gly280Asp) results in a non-conservative amino acid change in the encoded protein sequence. Five of five in-silico tools predict a damaging effect of the variant on protein function. The variant was absent in 182712 control chromosomes (gnomAD). The available data on variant occurrences in the general population are insufficient to allow any conclusion about variant significance. c.839G>A has been reported in the literature in at least one individual affected with sporadic Factor VIII Deficiency (Hemophilia A) who had a mild phenotype (Vencesla_2008). These data do not allow any conclusion about variant significance. To our knowledge, no experimental evidence demonstrating an impact on protein function has been reported. The following publications have been ascertained in the context of this evaluation (PMID: 37962303, 18184865). No submitters have cited clinical-significance assessments for this variant to ClinVar. Based on the evidence outlined above, the variant was classified as uncertain significance.

Literature cited by the submitters: PubMed 37962303; PubMed 18184865.

NM_000132.4(F8):c.839G>A (p.Gly280Asp)

Gene: F8 (coagulation factor VIII; minus strand). Cytogenetic location: Xq28.
Variant type: single nucleotide variant.
Coding change: c.839G>A on transcript NM_000132.4 (MANE Select); coding-DNA position 839, G replaced by A.
Protein change: p.Gly280Asp; replaces glycine 280 with aspartic acid.
Molecular consequence: missense variant.
Genome position (GRCh38, 1-based): chrX:154,969,501, C>T on the plus strand (G>A on the coding strand, the complement: F8 is on the minus strand). VCF-style: chrX-154969501-C-T. GRCh37 (hg19) VCF-style: chrX-154197776-C-T.
Other names: short protein forms G280D.
Identifiers: ClinVar variation 3063825 (VCV003063825.1), dbSNP rs868944893, ClinGen allele CA414918260.
Genomic context (GRCh38, chrX:154,969,501, plus strand): 5'-TGGTTCCTCACAAGAAATGTGTGACCTTCGAGGAATATTGAGTGCACTTCAGGAGTGGTG[C>T]CCATTCCAATCACATGCCAATAGACTGATTTCCTGTGGCATCCAATCAGACCTGTAAAGT-3'
Protein context (NP_000123.1, residues 270-290): KSVYWHVIGM[Gly280Asp]TTPEVHSIFL